The following is an entry in ClinVar:

NM_002907.4(RECQL):c.1570G>A (p.Ala524Thr)

Gene: RECQL (RecQ like helicase; minus strand). Cytogenetic location: 12p12.1.
Variant type: single nucleotide variant.
Coding change: c.1570G>A on transcript NM_002907.4 (MANE Select); coding-DNA position 1570, G replaced by A.
Protein change: p.Ala524Thr; replaces alanine 524 with threonine.
Molecular consequence: missense variant.
Genome position (GRCh38, 1-based): chr12:21,471,525, C>T on the plus strand (G>A on the coding strand, the complement: RECQL is on the minus strand). VCF-style: chr12-21471525-C-T. GRCh37 (hg19) VCF-style: chr12-21624459-C-T.
Other names: c.1570G>A, p.Ala524Thr (NM_032941.3); short protein forms A524T.
Identifiers: ClinVar variation 2565573 (VCV002565573.2), dbSNP rs2137316479, ClinGen allele CA384116126.

ClinVar aggregate classification (germline): Uncertain significance (1 of 4 stars; one submission).

Submission:

Ambry Genetics
Classification: Uncertain significance. Last evaluated: 2023-04-23. Review status: criteria provided, single submitter. Criteria: Ambry Variant Classification Scheme 2023. Collection method: clinical testing. Allele origin: germline.
Comment: The p.A524T variant (also known as c.1570G>A), located in coding exon 12 of the RECQL gene, results from a G to A substitution at nucleotide position 1570. The alanine at codon 524 is replaced by threonine, an amino acid with similar properties. This amino acid position is conserved. In addition, this alteration is predicted to be tolerated by in silico analysis. Since supporting evidence is limited at this time, the clinical significance of this alteration remains unclear.